The following is an entry in ClinVar:

NM_020937.4(FANCM):c.1994A>T (p.Tyr665Phe)

Gene: FANCM (FA complementation group M; plus strand). Cytogenetic location: 14q21.2.
Variant type: single nucleotide variant.
Coding change: c.1994A>T on transcript NM_020937.4 (MANE Select); coding-DNA position 1994, A replaced by T.
Protein change: p.Tyr665Phe; replaces tyrosine 665 with phenylalanine.
Molecular consequence: missense variant.
Genome position (GRCh38, 1-based): chr14:45,167,155, A>T. VCF-style: chr14-45167155-A-T. GRCh37 (hg19) VCF-style: chr14-45636358-A-T.
Other names: c.1916A>T, p.Tyr639Phe (NM_001308133.2); c.1994A>T, p.Tyr665Phe (NM_001308134.2); short protein forms Y639F, Y665F.
Identifiers: ClinVar variation 5036644 (VCV005036644.1).
Genomic context (GRCh38, chr14:45,167,155, plus strand): 5'-GTGTCTATGAACCAGAGAAGCCTTCTCGGAACTTGCAGCGAAAGTCATCTATCTTTTCCT[A>T]TAGGGATGGTAAATAAATTTTGCATTTGACACATGCATTTTTCCCCTGTTCTTACTTAGC-3'
Protein context (NP_065988.1, residues 655-675): NLQRKSSIFS[Tyr665Phe]RDGMRQSSLK

ClinVar aggregate classification (germline): Uncertain significance (1 of 4 stars; one submission).

Conditions:
Inborn genetic diseases. Identifiers: MedGen C0950123, MeSH D030342.

Submission:

Ambry Genetics
Classification: Uncertain significance for Inborn genetic diseases. Last evaluated: 2026-07-25. Review status: criteria provided, single submitter. Criteria: Ambry Variant Classification Scheme 2023. Collection method: clinical testing. Allele origin: germline.
Comment: The p.Y665F variant (also known as c.1994A>T), located in coding exon 11 of the FANCM gene, results from an A to T substitution at nucleotide position 1994. The tyrosine at codon 665 is replaced by phenylalanine, an amino acid with highly similar properties. This amino acid position is conserved. In addition, this alteration is predicted to be tolerated by in silico analysis. Based on the available evidence, the clinical significance of this variant remains unclear.